The following is an entry in ClinVar:

NM_000399.5(EGR2):c.925G>A (p.Ala309Thr)

Gene: EGR2 (early growth response 2; minus strand). Cytogenetic location: 10q21.3.
Variant type: single nucleotide variant.
Coding change: c.925G>A on transcript NM_000399.5 (MANE Select); coding-DNA position 925, G replaced by A.
Protein change: p.Ala309Thr; replaces alanine 309 with threonine.
Molecular consequence: missense variant.
Genome position (GRCh38, 1-based): chr10:62,813,713, C>T on the plus strand (G>A on the coding strand, the complement: EGR2 is on the minus strand). VCF-style: chr10-62813713-C-T. GRCh37 (hg19) VCF-style: chr10-64573473-C-T.
Other names: c.925G>A, p.Ala309Thr (NM_001136177.3, NM_001136178.2); c.775G>A, p.Ala259Thr (NM_001136179.3, NM_001321037.2); c.964G>A, p.Ala322Thr (NM_001410931.1); short protein forms A259T, A309T, A322T.
Identifiers: ClinVar variation 4803641 (VCV004803641.1).
Genomic context (GRCh38, chr10:62,813,713, plus strand): 5'-TGTTGGGGTACTTGCGAGGCCTCAGAATGGGCCGCAGTGGCAGGTGGTGTGGGTTATAGG[C>T]GGCGGCGGCGGCGGCTGCTGCTGCTGCTGAGCTGCTACCAGGCAGCCGGGGTCCCTCGCT-3'
Protein context (NP_000390.2, residues 299-319): SAAAAAAAAA[Ala309Thr]YNPHHLPLRP

ClinVar aggregate classification (germline): Uncertain significance (1 of 4 stars; one submission).

Conditions:
Charcot-Marie-Tooth disease, type I (CMT1). Also called: Charcot-Marie-Tooth disease type 1; Charcot-Marie-Tooth, Type 1. Identifiers: Orphanet 65753, MedGen C0751036, MONDO:0019011.

gnomAD v4.1: 1 of 1,607,790 alleles (0.000062%); highest among the groups gnomAD compares: South Asian, 0.0011%; no homozygotes.

Submission:

Labcorp Genetics (formerly Invitae), Labcorp
Classification: Uncertain significance for Charcot-Marie-Tooth disease, type I. Last evaluated: 2025-05-25. Review status: criteria provided, single submitter. Criteria: Invitae Variant Classification Sherloc (09022015). Collection method: clinical testing. Allele origin: germline.
Comment: This sequence change replaces alanine, which is neutral and non-polar, with threonine, which is neutral and polar, at codon 309 of the EGR2 protein (p.Ala309Thr). This variant is not present in population databases (gnomAD no frequency). This variant has not been reported in the literature in individuals affected with EGR2-related conditions. Invitae Evidence Modeling of protein sequence and biophysical properties (such as structural, functional, and spatial information, amino acid conservation, physicochemical variation, residue mobility, and thermodynamic stability) indicates that this missense variant is not expected to disrupt EGR2 protein function with a negative predictive value of 80%. In summary, the available evidence is currently insufficient to determine the role of this variant in disease. Therefore, it has been classified as a Variant of Uncertain Significance.